The following is an entry in ClinVar:

ClinVar aggregate classification (germline): Conflicting classifications of pathogenicity. Review status: criteria provided, conflicting classifications (1 of 4 stars). 2 submissions from 2 submitters: Uncertain significance (1); Likely benign (1). Last evaluated 2023-03-23.

Conditions:
Hereditary cancer-predisposing syndrome. Also called: Tumor predisposition; Hereditary neoplastic syndrome; Hereditary Cancer Syndrome; Neoplastic Syndromes, Hereditary. Identifiers: Orphanet 140162, MedGen C0027672, MeSH D009386, MONDO:0015356.

Submissions (2):

University of Washington Department of Laboratory Medicine, University of Washington
Classification: Likely benign for Hereditary cancer-predisposing syndrome. Last evaluated: 2023-03-23. Review status: criteria provided, single submitter. Criteria: Dines et al. (Genet Med. 2020). Collection method: curation. Allele origin: germline.
Comment: Missense variant in a coldspot region where missense variants are very unlikely to be pathogenic (PMID:31911673).

BRCA2 exon 11 coldspot. Reclassification based on statistical prior probability.

Women's Health and Genetics/Laboratory Corporation of America, LabCorp
Classification: Uncertain significance. Last evaluated: 2022-03-14. Review status: criteria provided, single submitter. Criteria: LabCorp Variant Classification Summary - May 2015. Collection method: clinical testing. Allele origin: germline.
Comment: Variant summary: BRCA2 c.5125G>C (p.Asp1709His) results in a non-conservative amino acid change in the encoded protein sequence. Three of five in-silico tools predict a damaging effect of the variant on protein function. The variant was absent in 226648 control chromosomes. The available data on variant occurrences in the general population are insufficient to allow any conclusion about variant significance. To our knowledge, no occurrence of c.5125G>C in individuals affected with Hereditary Breast And Ovarian Cancer Syndrome and no experimental evidence demonstrating its impact on protein function have been reported. Five clinical diagnostic laboratories have submitted clinical-significance assessments for this variant to ClinVar after 2014 without evidence for independent evaluation. All laboratories classified the variant as uncertain significance. Based on the evidence outlined above, the variant was classified as uncertain significance.

NM_000059.4(BRCA2):c.5125G>C (p.Asp1709His)

Gene: BRCA2 (BRCA2 DNA repair associated; plus strand). Cytogenetic location: 13q13.1.
Variant type: single nucleotide variant.
Coding change: c.5125G>C on transcript NM_000059.4 (MANE Select); coding-DNA position 5125, G replaced by C.
Protein change: p.Asp1709His; replaces aspartic acid 1709 with histidine.
Molecular consequence: missense variant.
Genome position (GRCh38, 1-based): chr13:32,339,480, G>C. VCF-style: chr13-32339480-G-C. GRCh37 (hg19) VCF-style: chr13-32913617-G-C.
Other names: short protein forms D1709H.
Identifiers: ClinVar variation 1677101 (VCV001677101.3), dbSNP rs398122792, ClinGen allele CA387784163.
Genomic context (GRCh38, chr13:32,339,480, plus strand): 5'-GCAAAAAAATGGCTTAGAGAAGGAATATTTGATGGTCAACCAGAAAGAATAAATACTGCA[G>C]ATTATGTAGGAAATTATTTGTATGAAAATAATTCAAACAGTACTATAGCTGAAAATGACA-3'
Protein context (NP_000050.3, residues 1699-1719): DGQPERINTA[Asp1709His]YVGNYLYENN